The following is an entry in ClinVar:

NM_020693.4(DSCAML1):c.2398G>T (p.Ala800Ser)

Gene: DSCAML1 (DS cell adhesion molecule like 1; minus strand). Cytogenetic location: 11q23.3.
Variant type: single nucleotide variant.
Coding change: c.2398G>T on transcript NM_020693.4 (MANE Select); coding-DNA position 2398, G replaced by T.
Protein change: p.Ala800Ser; replaces alanine 800 with serine.
Molecular consequence: missense variant.
Genome position (GRCh38, 1-based): chr11:117,482,124, C>A on the plus strand (G>T on the coding strand, the complement: DSCAML1 is on the minus strand). VCF-style: chr11-117482124-C-A. GRCh37 (hg19) VCF-style: chr11-117352839-C-A.
Other names: c.2398G>T, p.Ala800Ser (NM_001367904.1); short protein forms A800S.
Identifiers: ClinVar variation 2024390 (VCV002024390.4), dbSNP rs762529072, ClinGen allele CA6297017.

ClinVar aggregate classification (germline): Uncertain significance (1 of 4 stars; one submission).

Allele frequency attached by ClinVar (database versions not stated): gnomAD 0.00001; ExAC 0.00002; TOPMed 0.00003.
gnomAD v4.1: 3 of 1,613,988 alleles (0.00019%); highest among the groups gnomAD compares: African/African-American, 0.004%; no homozygotes.

Submission:

Labcorp Genetics (formerly Invitae), Labcorp
Classification: Uncertain significance. Last evaluated: 2024-11-03. Review status: criteria provided, single submitter. Criteria: Invitae Variant Classification Sherloc (09022015). Collection method: clinical testing. Allele origin: germline.
Comment: This sequence change replaces alanine, which is neutral and non-polar, with serine, which is neutral and polar, at codon 860 of the DSCAML1 protein (p.Ala860Ser). The frequency data for this variant in the population databases is considered unreliable, as metrics indicate poor data quality at this position in the gnomAD database. This variant has not been reported in the literature in individuals affected with DSCAML1-related conditions. ClinVar contains an entry for this variant (Variation ID: 2024390). An algorithm developed to predict the effect of missense changes on protein structure and function (PolyPhen-2) suggests that this variant is likely to be disruptive. Algorithms developed to predict the effect of sequence changes on RNA splicing suggest that this variant may create or strengthen a splice site. In summary, the available evidence is currently insufficient to determine the role of this variant in disease. Therefore, it has been classified as a Variant of Uncertain Significance.